The following is an entry in ClinVar:

NM_001287.6(CLCN7):c.1327G>A (p.Gly443Arg)

Gene: CLCN7 (chloride voltage-gated channel 7; minus strand). Cytogenetic location: 16p13.3.
Variant type: single nucleotide variant.
Coding change: c.1327G>A on transcript NM_001287.6 (MANE Select); coding-DNA position 1327, G replaced by A.
Protein change: p.Gly443Arg; replaces glycine 443 with arginine.
Molecular consequence: missense variant.
Genome position (GRCh38, 1-based): chr16:1,452,781, C>T on the plus strand (G>A on the coding strand, the complement: CLCN7 is on the minus strand). VCF-style: chr16-1452781-C-T. GRCh37 (hg19) VCF-style: chr16-1502782-C-T.
Other names: c.1255G>A, p.Gly419Arg (NM_001114331.3); short protein forms G443R, G419R.
Identifiers: ClinVar variation 3637161 (VCV003637161.2).

ClinVar aggregate classification (germline): Uncertain significance (1 of 4 stars; one submission).

gnomAD v4.1: 1 of 1,605,334 alleles (0.000062%); highest among the groups gnomAD compares: Non-Finnish European, 0.000085%; no homozygotes.

Submission:

Labcorp Genetics (formerly Invitae), Labcorp
Classification: Uncertain significance. Last evaluated: 2024-08-12. Review status: criteria provided, single submitter. Criteria: Invitae Variant Classification Sherloc (09022015). Collection method: clinical testing. Allele origin: germline.
Comment: This sequence change replaces glycine, which is neutral and non-polar, with arginine, which is basic and polar, at codon 443 of the CLCN7 protein (p.Gly443Arg). This variant is not present in population databases (gnomAD no frequency). This variant has not been reported in the literature in individuals affected with CLCN7-related conditions. Advanced modeling of protein sequence and biophysical properties (such as structural, functional, and spatial information, amino acid conservation, physicochemical variation, residue mobility, and thermodynamic stability) performed at Invitae indicates that this missense variant is not expected to disrupt CLCN7 protein function with a negative predictive value of 95%. In summary, the available evidence is currently insufficient to determine the role of this variant in disease. Therefore, it has been classified as a Variant of Uncertain Significance.